The following is an entry in ClinVar:

NM_000136.3(FANCC):c.1082G>A (p.Arg361Gln)

Genes: AOPEP (aminopeptidase O (putative); plus strand), FANCC (FA complementation group C; minus strand). Cytogenetic location: 9q22.32.
Variant type: single nucleotide variant.
Coding change: c.1082G>A on transcript NM_000136.3 (MANE Select); coding-DNA position 1082, G replaced by A.
Protein change: p.Arg361Gln; replaces arginine 361 with glutamine.
Molecular consequence: missense variant.
Genome position (GRCh38, 1-based): chr9:95,114,701, C>T on the plus strand (G>A on the coding strand, the complement: FANCC is on the minus strand). VCF-style: chr9-95114701-C-T. GRCh37 (hg19) VCF-style: chr9-97876983-C-T.
Other names: c.1082G>A, p.Arg361Gln (NM_001243743.2, NM_001243744.2); short protein forms R361Q.
Identifiers: ClinVar variation 526383 (VCV000526383.18), dbSNP rs761336987, ClinGen allele CA5137460.
Genomic context (GRCh38, chr9:95,114,701, plus strand): 5'-TCTTCAACTGCTTCTCTGAGCAGTTCAGAAATATGCTTCAGTGTCTGGAGCCAGTGTCCC[C>T]GAGGGATATCTGCGGGTGGAGAGAGATACGTCAGAGGGCAACTGAGGAAATGTCAAGCCC-3'
Protein context (NP_000127.2, residues 351-371): VLLQDPQDIP[Arg361Gln]GHWLQTLKHI

ClinVar aggregate classification (germline): Conflicting classifications of pathogenicity. Review status: criteria provided, conflicting classifications (1 of 4 stars). 6 submissions from 6 submitters: Uncertain significance (5); Likely benign (1). Last evaluated 2026-10-01.

Conditions:
Fanconi anemia (FA). Also called: Fanconi's anemia. Identifiers: Orphanet 84, MedGen C0015625, MeSH D005199, MONDO:0019391.
Hereditary cancer-predisposing syndrome. Also called: Hereditary Cancer Syndrome; Neoplastic Syndromes, Hereditary; Hereditary neoplastic syndrome; Tumor predisposition. Identifiers: Orphanet 140162, MedGen C0027672, MeSH D009386, MONDO:0015356.
Fanconi anemia complementation group C (FANCC). Also called: Fanconi anemia, group C; FANCONI PANCYTOPENIA, TYPE 3; FACC; FANCC-Related Fanconi Anemia. Identifiers: Orphanet 84, MedGen C3468041, MONDO:0009213, OMIM 227645.

Allele frequency attached by ClinVar (database versions not stated): gnomAD 0.00001; TOPMed 0.00001.
gnomAD v4.1: 31 of 1,613,936 alleles (0.0019%); highest among the groups gnomAD compares: East Asian, 0.018%; no homozygotes.

Submissions (7):

St. Jude Molecular Pathology, St. Jude Children's Research Hospital
Classification: Uncertain significance for Fanconi anemia complementation group C. Last evaluated: 2026-10-01. Review status: criteria provided, single submitter. Criteria: St. Jude Assertion Criteria 2020. Collection method: clinical testing. Allele origin: germline.
Comment: The FANCC c.1082G>A p.(Arg361Gln) missense change has a maximum subpopulation frequency of 0.02% in gnomAD v2.1.1. The in silico tool REVEL predicts a benign effect on protein function, but to our knowledge this prediction has not been confirmed by functional studies. To our knowledge, this variant has not been reported in the literature in indivi duals with Fanconi anemia. In summary, the evidence currently available is insufficient to determine the clinical significance of this variant. It has therefore been classified as of uncertain significance.

Labcorp Genetics (formerly Invitae), Labcorp
Classification: Uncertain significance for Fanconi anemia. Last evaluated: 2025-12-16. Review status: criteria provided, single submitter. Criteria: Invitae Variant Classification Sherloc (09022015). Collection method: clinical testing. Allele origin: germline.
Comment: This sequence change replaces arginine, which is basic and polar, with glutamine, which is neutral and polar, at codon 361 of the FANCC protein (p.Arg361Gln). This variant is present in population databases (rs761336987, gnomAD 0.02%). This variant has not been reported in the literature in individuals affected with FANCC-related conditions. ClinVar contains an entry for this variant (Variation ID: 526383). Invitae Evidence Modeling of protein sequence and biophysical properties (such as structural, functional, and spatial information, amino acid conservation, physicochemical variation, residue mobility, and thermodynamic stability) indicates that this missense variant is not expected to disrupt FANCC protein function with a negative predictive value of 80%. In summary, the available evidence is currently insufficient to determine the role of this variant in disease. Therefore, it has been classified as a Variant of Uncertain Significance.

Ambry Genetics
Classification: Likely benign for Hereditary cancer-predisposing syndrome. Last evaluated: 2025-08-01. Review status: criteria provided, single submitter. Criteria: Ambry Variant Classification Scheme 2023. Collection method: clinical testing. Allele origin: germline.

GeneDx
Classification: Uncertain significance. Last evaluated: 2024-05-03. Review status: criteria provided, single submitter. Criteria: GeneDx Variant Classification Process June 2021. Collection method: clinical testing. Allele origin: germline. Affected: yes.
Comment: Not observed at significant frequency in large population cohorts (gnomAD); In silico analysis indicates that this missense variant does not alter protein structure/function; Has not been previously published as pathogenic or benign to our knowledge; This variant is associated with the following publications: (PMID: 27093186, Gordon2000[Book])

Quest Diagnostics Nichols Institute San Juan Capistrano
Classification: Uncertain significance. Last evaluated: 2023-12-19. Review status: criteria provided, single submitter. Criteria: Quest Diagnostics criteria. Collection method: clinical testing. Allele origin: unknown.
Comment: The FANCC c.1082G>A (p.Arg361Gln) variant has been reported in the published literature in individuals with breast cancer as well as reportedly healthy individuals (PMID: 33471991 (2021), see also LOVD)). The frequency of this variant in the general population, 0.00016 (3/18394 chromosomes (Genome Aggregation Database)), is uninformative in the assessment of its pathogenicity. Analysis of this variant using bioinformatics tools for the prediction of the effect of amino acid changes on protein structure and function yielded predictions that this variant is benign. Based on the available information, we are unable to determine the clinical significance of this variant.

Department of Pathology and Laboratory Medicine, Sinai Health System
Classification: Uncertain significance for Fanconi anemia complementation group C. Last evaluated: 2020-07-03. Review status: criteria provided, single submitter. Criteria: ACMG Guidelines, 2015. Collection method: clinical testing. Allele origin: germline. Affected: yes.

Dr. Peter K. Rogan Lab, Western University
No classification provided (evidence only). Condition: Gastric cancer. Review status: no classification provided. Collection method: in vitro. Allele origin: not applicable. Functional consequence: retained intron. Not counted in ClinVar's aggregate classification.

Literature cited by the submitters: PubMed 33471991 (cited by Quest Diagnostics Nichols Institute San Juan Capistrano).